The following is an entry in ClinVar:

NM_004523.4(KIF11):c.246C>T (p.Tyr82=)

Gene: KIF11 (kinesin family member 11; plus strand). Cytogenetic location: 10q23.33.
Variant type: single nucleotide variant.
Coding change: c.246C>T on transcript NM_004523.4 (MANE Select); coding-DNA position 246, C replaced by T.
Protein change: p.Tyr82=; no amino-acid change (tyrosine 82 retained).
Molecular consequence: synonymous variant.
Genome position (GRCh38, 1-based): chr10:92,606,654, C>T. VCF-style: chr10-92606654-C-T. GRCh37 (hg19) VCF-style: chr10-94366411-C-T.
Other names: c.246C>T (NM_004523.3).
Identifiers: ClinVar variation 1086790 (VCV001086790.10), dbSNP rs184910536, ClinGen allele CA5603959.

ClinVar aggregate classification (germline): Likely benign. Review status: criteria provided, multiple submitters, no conflicts (2 of 4 stars). 2 submissions from 2 submitters: Likely benign (2). Last evaluated 2025-10-08.

Conditions:
KIF11-related disorder. Also called: KIF11-related condition.

Allele frequency attached by ClinVar (database versions not stated): TOPMed below 0.00001; gnomAD 0.00001 and 0.00002; gnomAD exomes 0.00001 and 0.00002; ExAC 0.00002; 1000 Genomes Project 30x 0.00016; 1000 Genomes Project 0.00020.
gnomAD v4.1: 31 of 1,595,818 alleles (0.0019%); highest among the groups gnomAD compares: East Asian, 0.069%; no homozygotes.

Submissions (2):

PreventionGenetics, part of Exact Sciences
Classification: Likely benign for KIF11-related condition. Last evaluated: 2025-10-08. Review status: criteria provided, single submitter. Criteria: ACMG Guidelines, 2015. Collection method: clinical testing. Allele origin: germline.
Comment: This variant is classified as likely benign based on ACMG/AMP sequence variant interpretation guidelines (Richards et al. 2015 PMID: 25741868, with internal and published modifications).

Labcorp Genetics (formerly Invitae), Labcorp
Classification: Likely benign. Last evaluated: 2019-08-27. Review status: criteria provided, single submitter. Criteria: Invitae Variant Classification Sherloc (09022015). Collection method: clinical testing. Allele origin: germline.